The following is an entry in ClinVar:

NM_004360.5(CDH1):c.2033T>C (p.Val678Ala)

Gene: CDH1 (cadherin 1; plus strand). Cytogenetic location: 16q22.1.
Variant type: single nucleotide variant.
Coding change: c.2033T>C on transcript NM_004360.5 (MANE Select); coding-DNA position 2033, T replaced by C.
Protein change: p.Val678Ala; replaces valine 678 with alanine.
Molecular consequence: missense variant.
Genome position (GRCh38, 1-based): chr16:68,823,495, T>C. VCF-style: chr16-68823495-T-C. GRCh37 (hg19) VCF-style: chr16-68857398-T-C.
Other names: c.1850T>C, p.Val617Ala (NM_001317184.2); c.485T>C, p.Val162Ala (NM_001317185.2); c.68T>C, p.Val23Ala (NM_001317186.2); c.2033T>C (LRG_301t1); short protein forms V678A, V162A, V23A, V617A.
Identifiers: ClinVar variation 231773 (VCV000231773.20), dbSNP rs876659352, ClinGen allele CA10580145.

ClinVar aggregate classification (germline): Uncertain significance. Review status: criteria provided, multiple submitters, no conflicts (2 of 4 stars). 5 submissions from 5 submitters: Uncertain significance (5). Last evaluated 2025-12-09.

Conditions:
CDH1-related disorder. Also called: CDH1-related condition.
Hereditary cancer-predisposing syndrome. Also called: Neoplastic Syndromes, Hereditary; Tumor predisposition; Hereditary Cancer Syndrome; Hereditary neoplastic syndrome. Identifiers: Orphanet 140162, MedGen C0027672, MeSH D009386, MONDO:0015356.
Hereditary diffuse gastric adenocarcinoma (HDGC). Also called: DIFFUSE GASTRIC AND LOBULAR BREAST CANCER SYNDROME. Identifiers: Orphanet 26106, MedGen C1708349, MONDO:0007648, OMIM 137215.

Allele frequency attached by ClinVar (database versions not stated): gnomAD exomes below 0.00001; TOPMed below 0.00001; gnomAD 0.00001.

Submissions (5):

Labcorp Genetics (formerly Invitae), Labcorp
Classification: Uncertain significance for Hereditary diffuse gastric adenocarcinoma. Last evaluated: 2025-12-09. Review status: criteria provided, single submitter. Criteria: Invitae Variant Classification Sherloc (09022015). Collection method: clinical testing. Allele origin: germline.
Comment: This sequence change replaces valine, which is neutral and non-polar, with alanine, which is neutral and non-polar, at codon 678 of the CDH1 protein (p.Val678Ala). This variant is not present in population databases (gnomAD no frequency). This missense change has been observed in individual(s) with clinical features of CDH1-related conditions (PMID: 29522266). ClinVar contains an entry for this variant (Variation ID: 231773). An algorithm developed to predict the effect of missense changes on protein structure and function (PolyPhen-2) suggests that this variant is likely to be disruptive. In summary, the available evidence is currently insufficient to determine the role of this variant in disease. Therefore, it has been classified as a Variant of Uncertain Significance.

Color Diagnostics, LLC DBA Color Health
Classification: Uncertain significance for Hereditary cancer-predisposing syndrome. Last evaluated: 2025-02-25. Review status: criteria provided, single submitter. Criteria: ACMG Guidelines, 2015. Collection method: clinical testing. Allele origin: germline.
Comment: This missense variant replaces valine with alanine at codon 678 of the CDH1 protein. To our knowledge, functional studies have not been reported for this variant. This variant has been reported in at least one individual affected with breast cancer (PMID: 29522266, 36436516). This variant has not been identified in the general population by the Genome Aggregation Database (gnomAD). The available evidence is insufficient to determine the role of this variant in disease conclusively. Therefore, this variant is classified as a Variant of Uncertain Significance.

PreventionGenetics, part of Exact Sciences
Classification: Uncertain significance for CDH1-related condition. Last evaluated: 2024-11-05. Review status: criteria provided, single submitter. Criteria: ACMG Guidelines, 2015. Collection method: clinical testing. Allele origin: germline.
Comment: The CDH1 c.2033T>C variant is predicted to result in the amino acid substitution p.Val678Ala. This variant has been reported in the literature in several individuals with breast cancer (Hauke et al. 2018. PubMed ID: 29522266; Garcia-Pelaez et al. 2022. PubMed ID: 36436516). This variant is absent in a large population database and is interpreted as uncertain in ClinVar. At this time, the clinical significance of this variant is uncertain due to the absence of conclusive functional and genetic evidence.

Ambry Genetics
Classification: Uncertain significance for Hereditary cancer-predisposing syndrome. Last evaluated: 2023-08-14. Review status: criteria provided, single submitter. Criteria: Ambry Variant Classification Scheme 2023. Collection method: clinical testing. Allele origin: germline.
Comment: The p.V678A variant (also known as c.2033T>C), located in coding exon 13 of the CDH1 gene, results from a T to C substitution at nucleotide position 2033. The valine at codon 678 is replaced by alanine, an amino acid with similar properties. This alteration was detected in 1/5589 German BRCA1/2-negative probands with breast cancer (Hauke J et al. Cancer Med, 2018 04;7:1349-1358). This amino acid position is well conserved in available vertebrate species. In addition, this alteration is predicted to be tolerated by in silico analysis. Since supporting evidence is limited at this time, the clinical significance of this alteration remains unclear.

European Reference Network on Genetic Tumour Risk Syndromes (ERN-GENTURIS), i3s - Instituto de Investigação e Inovação em Saúde, University of Porto
Classification: Uncertain significance for Hereditary diffuse gastric adenocarcinoma. Last evaluated: 2022-08-01. Review status: criteria provided, single submitter. Criteria: Lee et al. (Hum Mutat. 2018). Collection method: clinical testing. Allele origin: germline. Inheritance: Autosomal dominant inheritance. Affected: no. Study: ERN GENTURIS.
Comment: PM2 (PMID: 30311375)

Literature cited by the submitters: PubMed 29522266 (cited by 3 submitters); PubMed 36436516 (cited by Color Diagnostics, LLC DBA Color Health and European Reference Network on Genetic Tumour Risk Syndromes (ERN-GENTURIS), i3s - Instituto de Investigação e Inovação em Saúde, University of Porto).